The following is an entry in ClinVar:

ClinVar aggregate classification (germline): Likely pathogenic (1 of 4 stars; one submission).

Conditions:
Hyperekplexia 3 (HKPX3). Also called: HYPEREKPLEXIA 3, AUTOSOMAL RECESSIVE; HYPEREKPLEXIA 3, AUTOSOMAL DOMINANT. Identifiers: Orphanet 3197, MedGen C3553288, MONDO:0013827, OMIM 614618.

gnomAD v4.1: 4 of 1,613,850 alleles (0.00025%); highest among the groups gnomAD compares: African/African-American, 0.0053%; no homozygotes.

Submission:

Labcorp Genetics (formerly Invitae), Labcorp
Classification: Likely pathogenic for Hyperekplexia 3. Last evaluated: 2024-05-08. Review status: criteria provided, single submitter. Criteria: Invitae Variant Classification Sherloc (09022015). Collection method: clinical testing. Allele origin: germline.
Comment: This sequence change affects an acceptor splice site in intron 11 of the SLC6A5 gene. It is expected to disrupt RNA splicing. Variants that disrupt the donor or acceptor splice site typically lead to a loss of protein function (PMID: 16199547), and loss-of-function variants in SLC6A5 are known to be pathogenic (PMID: 14622583, 16751771, 22700964). This variant is present in population databases (rs368217844, gnomAD 0.02%). This variant has not been reported in the literature in individuals affected with SLC6A5-related conditions. Algorithms developed to predict the effect of sequence changes on RNA splicing suggest that this variant may disrupt the consensus splice site. In summary, the currently available evidence indicates that the variant is pathogenic, but additional data are needed to prove that conclusively. Therefore, this variant has been classified as Likely Pathogenic.

Literature cited by the submitters: PubMed 16199547; PubMed 14622583; PubMed 16751771; PubMed 22700964.

NM_004211.5(SLC6A5):c.1738-1G>C

Gene: SLC6A5 (solute carrier family 6 member 5; plus strand). Cytogenetic location: 11p15.1.
Variant type: single nucleotide variant.
Coding change: c.1738-1G>C on transcript NM_004211.5 (MANE Select); the canonical splice acceptor site of the intron before coding-DNA position 1738, G replaced by C.
Molecular consequence: splice acceptor variant.
Genome position (GRCh38, 1-based): chr11:20,637,171, G>C. VCF-style: chr11-20637171-G-C. GRCh37 (hg19) VCF-style: chr11-20658717-G-C.
Other names: c.1036-1G>C (NM_001318369.2).
Identifiers: ClinVar variation 3677111 (VCV003677111.2).
Genomic context (GRCh38, chr11:20,637,171, plus strand): 5'-TGGGGGTACCTCCTGGGTGGTACAATTTGACTCAGATGTTCATTTCCTGACACGGTTCCA[G>C]TTTGCCACCATCGAGACCATAGTGACCTCCATCTCAGACGAGTTTCCCAAGTACCTACGC-3'